The following is an entry in ClinVar:

ClinVar aggregate classification (germline): Uncertain significance (1 of 4 stars; one submission).

Submission:

Ambry Genetics
Classification: Uncertain significance. Last evaluated: 2026-06-10. Review status: criteria provided, single submitter. Criteria: Ambry Variant Classification Scheme 2023. Collection method: clinical testing. Allele origin: germline.
Comment: The p.C238Y variant (also known as c.713G>A), located in coding exon 5 of the ATRIP gene, results from a G to A substitution at nucleotide position 713. The cysteine at codon 238 is replaced by tyrosine, an amino acid with highly dissimilar properties. This amino acid position is conserved. In addition, this alteration is predicted to be tolerated by in silico analysis. Based on the available evidence, the clinical significance of this variant remains unclear.

NM_130384.3(ATRIP):c.713G>A (p.Cys238Tyr)

Genes: ATRIP (ATR interacting protein; plus strand), ATRIP-TREX1 (ATRIP-TREX1 readthrough; plus strand). Cytogenetic location: 3p21.31.
Variant type: single nucleotide variant.
Coding change: c.713G>A on transcript NM_130384.3 (MANE Select); coding-DNA position 713, G replaced by A.
Protein change: p.Cys238Tyr; replaces cysteine 238 with tyrosine.
Molecular consequence: missense variant. On other transcripts: non-coding transcript variant (1).
Genome position (GRCh38, 1-based): chr3:48,457,300, G>A. VCF-style: chr3-48457300-G-A. GRCh37 (hg19) VCF-style: chr3-48498700-G-A.
Other names: c.713G>A, p.Cys238Tyr (NM_032166.4); c.332G>A, p.Cys111Tyr (NM_001271022.2); c.434G>A, p.Cys145Tyr (NM_001271023.2); short protein forms C111Y, C145Y, C238Y.
Identifiers: ClinVar variation 4867266 (VCV004867266.1).
Genomic context (GRCh38, chr3:48,457,300, plus strand): 5'-CATAGTTAACTTTTTCCAGTCCTAGGAAAAACCCTTCTGTGGTTATAAAGCCAGAAGCAT[G>A]TTCTCCACAATTTGGAAAAACATCTTTTCCTACAAAGGAGTCTTTTAGTGCTAACATGTC-3'
Protein context (NP_569055.1, residues 228-248): NPSVVIKPEA[Cys238Tyr]SPQFGKTSFP